The following is an entry in ClinVar:

ClinVar aggregate classification (germline): Pathogenic/Likely pathogenic. Review status: criteria provided, multiple submitters, no conflicts (2 of 4 stars). 3 submissions from 3 submitters: Pathogenic (1); Likely pathogenic (1). 1 of the submissions does not count toward it. Last evaluated 2025-04-22.

Conditions:
Connective tissue disorder. Also called: Connective tissue disease. Identifiers: MedGen C0009782, MONDO:0003900.

Submissions (3):

GeneDx
Classification: Pathogenic. Last evaluated: 2025-04-22. Review status: criteria provided, single submitter. Criteria: GeneDx Variant Classification Process June 2021. Collection method: clinical testing. Allele origin: germline. Affected: yes.
Comment: In-frame deletion of 1 amino acid in a non-repeat region; Not observed at significant frequency in large population cohorts (gnomAD); In silico analysis supports a deleterious effect on protein structure/function; This variant is associated with the following publications: (PMID: Krasovskaja2022[abstract], 34529350)

Genome Diagnostics Laboratory, The Hospital for Sick Children
Classification: Likely pathogenic for Connective tissue disorder. Last evaluated: 2020-12-23. Review status: criteria provided, single submitter. Criteria: ACMG Guidelines, 2015. Collection method: clinical testing. Allele origin: germline.

Laboratório de Genética Molecula, r University of Campinas - Unicamp
No classification provided. Review status: no classification provided. Collection method: not provided. Allele origin: unknown. Not counted in ClinVar's aggregate classification.

NM_001844.5(COL2A1):c.4387_4389del (p.Ile1463del)

Gene: COL2A1 (collagen type II alpha 1 chain; minus strand). Cytogenetic location: 12q13.11.
Variant type: Deletion.
Coding change: c.4387_4389del on transcript NM_001844.5 (MANE Select); coding-DNA positions 4387 to 4389, 3 bases deleted (ATT; older notation c.4387_4389delATT).
Protein change: p.Ile1463del; deletes isoleucine 1463.
Molecular consequence: inframe deletion.
Genome position (GRCh38, 1-based): chr12:47,973,482-47,973,484, AAT deleted on the plus strand (ATT on the coding strand, the reverse complement: COL2A1 is on the minus strand). VCF-style (leftmost placement, unchanged base first): chr12-47973481-CAAT-C. GRCh37 (hg19) VCF-style: chr12-48367264-CAAT-C.
Other names: c.4180_4182del, p.Ile1394del (NM_033150.3); c.4387_4389delATT (NM_001844.4); c.4387_4389del (NM_001844.4); short protein forms I1463del, I1394del.
Identifiers: ClinVar variation 143240 (VCV000143240.5), dbSNP rs527236145, ClinGen allele CA232867.